The following is an entry in ClinVar:

NM_000754.4(COMT):c.408C>G (p.Leu136=)

Gene: COMT (catechol-O-methyltransferase; plus strand). Cytogenetic location: 22q11.21.
Variant type: single nucleotide variant.
Coding change: c.408C>G on transcript NM_000754.4 (MANE Select); coding-DNA position 408, C replaced by G.
Protein change: p.Leu136=; no amino-acid change (leucine 136 retained).
Molecular consequence: synonymous variant.
Genome position (GRCh38, 1-based): chr22:19,963,684, C>G. VCF-style: chr22-19963684-C-G. GRCh37 (hg19) VCF-style: chr22-19951207-C-G.
Other names: c.408C>G, p.Leu136= (NM_001135161.2, NM_001135162.2, NM_001362828.2); c.258C>G, p.Leu86= (NM_007310.3).
Identifiers: ClinVar variation 256786 (VCV000256786.37), dbSNP rs4818, ClinGen allele CA10104566.

ClinVar aggregate classification (germline): Benign. Review status: criteria provided, multiple submitters, no conflicts (2 of 4 stars). 9 submissions from 9 submitters: Benign (3). 6 of the submissions do not count toward it. Last evaluated 2021-05-04.

Conditions:
methamphetamine use disorder.
Tramadol response. Also called: Ultram response. Identifiers: MedGen CN078023.

Allele frequency attached by ClinVar (database versions not stated): gnomAD 0.32293 and 0.32165; 1000 Genomes Project 30x 0.29325; TOPMed 0.31719; ESP Exome Variant Server 0.32754; ExAC 0.33917; 1000 Genomes Project 0.29692; gnomAD exomes 0.33760.
gnomAD v4.1: 604,581 of 1,612,472 alleles (37%); highest among the groups gnomAD compares: Non-Finnish European, 40%; 116,267 homozygotes.

Submissions (9):

GeneDx
Classification: Benign. Last evaluated: 2021-05-04. Review status: criteria provided, single submitter. Criteria: GeneDx Variant Classification Process June 2021. Collection method: clinical testing. Allele origin: germline. Affected: yes.
Comment: This variant is associated with the following publications: (PMID: 19641441, 9323320, 30218069, 25766270)

Breakthrough Genomics
Classification: Benign. Review status: criteria provided, single submitter. Criteria: ACMG Guidelines, 2015. Collection method: not provided. Allele origin: germline. Inheritance: Autosomal dominant inheritance. Affected: yes.

PreventionGenetics, part of Exact Sciences
Classification: Benign. Review status: criteria provided, single submitter. Criteria: ACMG Guidelines, 2015. Collection method: clinical testing. Allele origin: germline.

Beijing Key Laboratory of Neuropsychopharmacology, State Key Laboratory of Toxicology and Medical Countermeasures, Beijing Institute of Pharmacology and Toxicology
Classification: Uncertain risk allele for methamphetamine use disorder. Last evaluated: 2023-01-16. Review status: no assertion criteria provided. Collection method: case-control. Allele origin: germline. Affected: yes. Observed: 186 variant alleles. Not counted in ClinVar's aggregate classification.

Bruce Budowle Laboratory, University of North Texas Health Science Center
Classification: drug response for Tramadol response. Last evaluated: 2018-04-28. Review status: no assertion criteria provided. Collection method: research. Allele origin: somatic. Affected: yes. Observed: 208 variant alleles. Not counted in ClinVar's aggregate classification.

Clinical Genetics DNA and cytogenetics Diagnostics Lab, Erasmus MC, Erasmus Medical Center
Classification: Benign. Review status: no assertion criteria provided. Collection method: clinical testing. Allele origin: germline. Affected: yes. Study: VKGL Data-share Consensus. Not counted in ClinVar's aggregate classification.

Diagnostic Laboratory, Department of Genetics, University Medical Center Groningen
Classification: Benign. Review status: no assertion criteria provided. Collection method: clinical testing. Allele origin: germline. Affected: yes. Study: VKGL Data-share Consensus. Not counted in ClinVar's aggregate classification.

Genome Diagnostics Laboratory, Amsterdam University Medical Center
Classification: Benign. Review status: no assertion criteria provided. Collection method: clinical testing. Allele origin: germline. Affected: yes. Study: VKGL Data-share Consensus. Not counted in ClinVar's aggregate classification.

Joint Genome Diagnostic Labs from Nijmegen and Maastricht, Radboudumc and MUMC+
Classification: Benign. Review status: no assertion criteria provided. Collection method: clinical testing. Allele origin: germline. Affected: yes. Study: VKGL Data-share Consensus. Not counted in ClinVar's aggregate classification.